The following is an entry in ClinVar:

NM_022454.4(SOX17):c.585G>T (p.Leu195=)

Gene: SOX17 (SRY-box transcription factor 17; plus strand). Cytogenetic location: 8q11.23.
Variant type: single nucleotide variant.
Coding change: c.585G>T on transcript NM_022454.4 (MANE Select); coding-DNA position 585, G replaced by T.
Protein change: p.Leu195=; no amino-acid change (leucine 195 retained).
Molecular consequence: synonymous variant.
Genome position (GRCh38, 1-based): chr8:54,459,335, G>T. VCF-style: chr8-54459335-G-T. GRCh37 (hg19) VCF-style: chr8-55371895-G-T.
Other names: c.585G>T (NM_022454.3).
Identifiers: ClinVar variation 1599553 (VCV001599553.12), dbSNP rs371736816, ClinGen allele CA4750936.

ClinVar aggregate classification (germline): Benign/Likely benign. Review status: criteria provided, multiple submitters, no conflicts (2 of 4 stars). 4 submissions from 4 submitters: Benign (1); Likely benign (2). 1 of the submissions does not count toward it. Last evaluated 2026-01-14.

Conditions:
Vesicoureteral reflux 3 (VUR3). Identifiers: Orphanet 289365, MedGen C3150927, MONDO:0013356, OMIM 613674.
SOX17-related disorder. Also called: SOX17-related condition.

Allele frequency attached by ClinVar (database versions not stated): gnomAD exomes 0.00031; ESP Exome Variant Server 0.00102; ExAC 0.00111; 1000 Genomes Project 30x 0.00125; 1000 Genomes Project 0.00140; gnomAD 0.00200 and 0.00214; TOPMed 0.00230.

Submissions (4):

Labcorp Genetics (formerly Invitae), Labcorp
Classification: Benign. Last evaluated: 2026-01-14. Review status: criteria provided, single submitter. Criteria: Invitae Variant Classification Sherloc (09022015). Collection method: clinical testing. Allele origin: germline.

Blueprint Genetics
Classification: Likely benign. Last evaluated: 2024-05-13. Review status: criteria provided, single submitter. Criteria: ACMG Guidelines, 2015. Collection method: clinical testing. Allele origin: germline.

Fulgent Genetics
Classification: Likely benign for Vesicoureteral reflux 3. Last evaluated: 2021-08-16. Review status: criteria provided, single submitter. Criteria: ACMG Guidelines, 2015. Collection method: clinical testing. Allele origin: unknown.

PreventionGenetics, part of Exact Sciences
Classification: Benign for SOX17-related condition. Last evaluated: 2020-11-30. Review status: no assertion criteria provided. Collection method: clinical testing. Allele origin: germline. Not counted in ClinVar's aggregate classification.
Comment: This variant is classified as benign based on ACMG/AMP sequence variant interpretation guidelines (Richards et al. 2015 PMID: 25741868, with internal and published modifications).